The following is an entry in ClinVar:

NM_000243.3(MEFV):c.*9C>T

Gene: MEFV (MEFV innate immunity regulator, pyrin; minus strand). Cytogenetic location: 16p13.3.
Variant type: single nucleotide variant.
Coding change: c.*9C>T on transcript NM_000243.3 (MANE Select); 9 bases downstream of the stop codon, C replaced by T.
Molecular consequence: 3 prime UTR variant.
Genome position (GRCh38, 1-based): chr16:3,243,132, G>A on the plus strand (C>T on the coding strand, the complement: MEFV is on the minus strand). VCF-style: chr16-3243132-G-A. GRCh37 (hg19) VCF-style: chr16-3293132-G-A.
Other names: c.*559C>T (NM_001198536.2).
Identifiers: ClinVar variation 445530 (VCV000445530.71), dbSNP rs11466048, ClinGen allele CA7859833.

ClinVar aggregate classification (germline): Conflicting classifications of pathogenicity. Review status: criteria provided, conflicting classifications (1 of 4 stars). 11 submissions from 11 submitters: Uncertain significance (1); Benign (4); Likely benign (4). 2 of the submissions do not count toward it. Last evaluated 2025-11-03.

Conditions:
Familial Mediterranean fever (FMF). Also called: Periodic peritonitis; Benign paroxysmal peritonitis; POLYSEROSITIS, FAMILIAL PAROXYSMAL; POLYSEROSITIS, RECURRENT. Identifiers: Orphanet 342, MedGen C0031069, MONDO:0018088, OMIM 249100. Disease mechanism: gain of function.
MEFV-related disorder. Also called: MEFV-related disorders; MEFV-related condition.
Autoinflammatory syndrome. Identifiers: Orphanet 93665, MedGen C3890737, MONDO:0019751.

Allele frequency attached by ClinVar (database versions not stated): ExAC 0.00251; gnomAD 0.00618; ESP Exome Variant Server 0.00754; TOPMed 0.00771; 1000 Genomes Project 0.01018; 1000 Genomes Project 30x 0.01093; gnomAD exomes 0.00203.
gnomAD v4.1: 2,116 of 1,612,458 alleles (0.13%); highest among the groups gnomAD compares: African/African-American, 2.2%; 16 homozygotes.

Submissions (11):

Mayo Clinic Laboratories, Mayo Clinic
Classification: Likely benign. Last evaluated: 2025-11-03. Review status: criteria provided, single submitter. Criteria: ACMG Guidelines, 2015. Collection method: clinical testing. Allele origin: germline. Observed: 6 variant alleles.
Comment: BS1, BP7

Labcorp Genetics (formerly Invitae), Labcorp
Classification: Benign for Familial Mediterranean fever. Last evaluated: 2025-04-07. Review status: criteria provided, single submitter. Criteria: Invitae Variant Classification Sherloc (09022015). Collection method: clinical testing. Allele origin: germline.

CeGaT Center for Human Genetics Tuebingen
Classification: Benign. Last evaluated: 2022-07-01. Review status: criteria provided, single submitter. Criteria: CeGaT Center For Human Genetics Tuebingen Variant Classification Criteria Version 2. Collection method: clinical testing. Allele origin: germline. Affected: yes. Observed: 1 variant allele.
Comment: MEFV: BS1, BS2

ARUP Laboratories, Molecular Genetics and Genomics, ARUP Laboratories
Classification: Likely benign. Last evaluated: 2021-10-21. Review status: criteria provided, single submitter. Criteria: ARUP Molecular Germline Variant Investigation Process 2021. Collection method: clinical testing. Allele origin: germline.

Genome Diagnostics Laboratory, The Hospital for Sick Children
Classification: Likely benign for Autoinflammatory syndrome. Last evaluated: 2021-06-28. Review status: criteria provided, single submitter. Criteria: ACMG Guidelines, 2015. Collection method: clinical testing. Allele origin: germline. Affected: yes.

Women's Health and Genetics/Laboratory Corporation of America, LabCorp
Classification: Benign. Last evaluated: 2021-05-22. Review status: criteria provided, single submitter. Criteria: LabCorp Variant Classification Summary - May 2015. Collection method: clinical testing. Allele origin: germline.
Comment: Variant summary: MEFV c.*9C>T alters a non-conserved nucleotide located in the untranslated mRNA region downstream of the termination codon. The variant allele was found at a frequency of 0.002 in 251240 control chromosomes, predominantly at a frequency of 0.025 within the African or African-American subpopulation in the gnomAD database, including 2 homozygotes. The observed variant frequency within African or African-American control individuals in the gnomAD database is approximately 1.15 fold of the estimated maximal expected allele frequency for a pathogenic variant in MEFV causing Familial Mediterranean Fever phenotype (0.022), strongly suggesting that the variant is a benign polymorphism found primarily in populations of African or African-American origin. c.*9C>T has been reported in the literature with a non-informative genotype in at-least one one individual affected with PFAPA (Periodic fever, aphthous stomatitis, pharyngitis, cervical adenitis syndrome) syndrome ( example, Kolly_2012). This report does not provide unequivocal conclusions about association of the variant with Familial Mediterranean Fever. To our knowledge, no experimental evidence demonstrating an impact on protein function has been reported. Four clinical diagnostic laboratories have submitted clinical-significance assessments for this variant to ClinVar after 2014 without evidence for independent evaluation (VUS, n=1, likely benign, n=2, benign, n=1). Based on the evidence outlined above, the variant was classified as benign.

Illumina Laboratory Services, Illumina
Classification: Uncertain significance for Familial Mediterranean fever. Last evaluated: 2017-04-28. Review status: criteria provided, single submitter. Criteria: ICSL Variant Classification Criteria 13 December 2019. Collection method: clinical testing. Allele origin: germline.

Center for Pediatric Genomic Medicine, Children's Mercy Hospital and Clinics
Classification: Likely benign. Last evaluated: 2017-03-09. Review status: criteria provided, single submitter. Criteria: ACMG Guidelines, 2015. Collection method: clinical testing. Allele origin: germline.

GeneDx
Classification: Benign. Last evaluated: 2015-03-03. Review status: criteria provided, single submitter. Criteria: GeneDx Variant Classification Process June 2021. Collection method: clinical testing. Allele origin: germline. Affected: yes.

Natera, Inc.
Classification: Benign for Familial Mediterranean fever. Last evaluated: 2019-10-18. Review status: no assertion criteria provided. Collection method: clinical testing. Allele origin: germline. Not counted in ClinVar's aggregate classification.

PreventionGenetics, part of Exact Sciences
Classification: Benign for MEFV-related condition. Last evaluated: 2019-03-04. Review status: no assertion criteria provided. Collection method: clinical testing. Allele origin: germline. Not counted in ClinVar's aggregate classification.
Comment: This variant is classified as benign based on ACMG/AMP sequence variant interpretation guidelines (Richards et al. 2015 PMID: 25741868, with internal and published modifications).

Literature cited by the submitters: PubMed 24117178 (cited by Women's Health and Genetics/Laboratory Corporation of America, LabCorp); PubMed 23006543 (cited by Women's Health and Genetics/Laboratory Corporation of America, LabCorp).